The following is an entry in ClinVar:

NM_032856.5(WDR73):c.41+1G>C

Gene: WDR73 (WD repeat domain 73; minus strand). Cytogenetic location: 15q25.2.
Variant type: single nucleotide variant.
Coding change: c.41+1G>C on transcript NM_032856.5 (MANE Select); the canonical splice donor site of the intron after coding-DNA position 41, G replaced by C.
Molecular consequence: splice donor variant. On other transcripts: non-coding transcript variant (2).
Genome position (GRCh38, 1-based): chr15:84,654,233, C>G on the plus strand (G>C on the coding strand, the complement: WDR73 is on the minus strand). VCF-style: chr15-84654233-C-G. GRCh37 (hg19) VCF-style: chr15-85197464-C-G.
Identifiers: ClinVar variation 2434648 (VCV002434648.6), dbSNP rs371794750, ClinGen allele CA7707528.

ClinVar aggregate classification (germline): Likely pathogenic. Review status: criteria provided, multiple submitters, no conflicts (2 of 4 stars). 3 submissions from 3 submitters: Likely pathogenic (3). Last evaluated 2025-04-25.

Conditions:
Galloway-Mowat syndrome 1 (GAMOS1). Identifiers: Orphanet 2065, Orphanet 83472, MedGen C4551772, MONDO:0033005, OMIM 251300.

Allele frequency attached by ClinVar (database versions not stated): ExAC 0.00002; gnomAD 0.00005; gnomAD exomes 0.00005; TOPMed 0.00006; ESP Exome Variant Server 0.00024.
gnomAD v4.1: 93 of 1,613,854 alleles (0.0058%); highest among the groups gnomAD compares: Non-Finnish European, 0.0068%; no homozygotes.

Submissions (3):

Women's Health and Genetics/Laboratory Corporation of America, LabCorp
Classification: Likely pathogenic for Galloway-Mowat syndrome 1. Last evaluated: 2025-04-25. Review status: criteria provided, single submitter. Criteria: LabCorp Variant Classification Summary - May 2015. Collection method: clinical testing. Allele origin: germline.
Comment: Variant summary: WDR73 c.41+1G>C is located in a canonical splice-site and is predicted to affect mRNA splicing resulting in a significantly altered protein due to either exon skipping, shortening, or inclusion of intronic material. Variants that disrupt the consensus splice site are a relatively common cause of aberrant splicing and loss of WDR73 function. The variant allele was found at a frequency of 2.4e-05 in 249198 control chromosomes. To our knowledge, no occurrence of c.41+1G>C in individuals affected with Galloway-Mowat Syndrome 1 and no experimental evidence demonstrating its impact on protein function have been reported. ClinVar contains an entry for this variant (Variation ID: 2434648). Based on the evidence outlined above, the variant was classified as likely pathogenic.

Fulgent Genetics
Classification: Likely pathogenic for Galloway-Mowat syndrome 1. Last evaluated: 2024-02-27. Review status: criteria provided, single submitter. Criteria: ACMG Guidelines, 2015. Collection method: clinical testing. Allele origin: germline.

Revvity Omics, Revvity
Classification: Likely pathogenic for Galloway-Mowat syndrome 1. Last evaluated: 2022-09-20. Review status: criteria provided, single submitter. Criteria: ACMG Guidelines, 2015. Collection method: clinical testing. Allele origin: germline.